The following is an entry in ClinVar:

NM_001904.4(CTNNB1):c.642C>G (p.Thr214=)

Genes: CTNNB1 (catenin beta 1; plus strand), LOC126806658 (BRD4-independent group 4 enhancer GRCh37_chr3:41265899-41267098; plus strand). Cytogenetic location: 3p22.1.
Variant type: single nucleotide variant.
Coding change: c.642C>G on transcript NM_001904.4 (MANE Select); coding-DNA position 642, C replaced by G.
Protein change: p.Thr214=; no amino-acid change (threonine 214 retained).
Molecular consequence: synonymous variant.
Genome position (GRCh38, 1-based): chr3:41,225,480, C>G. VCF-style: chr3-41225480-C-G. GRCh37 (hg19) VCF-style: chr3-41266971-C-G.
Other names: c.642C>G, p.Thr214= (NM_001098209.2, NM_001098210.2); c.621C>G, p.Thr207= (NM_001330729.2).
Identifiers: ClinVar variation 434863 (VCV000434863.58), dbSNP rs3856747, ClinGen allele CA2330957.

ClinVar aggregate classification (germline): Benign/Likely benign. Review status: criteria provided, multiple submitters, no conflicts (2 of 4 stars). 6 submissions from 6 submitters: Benign (1); Likely benign (5). Last evaluated 2026-02-03.

Allele frequency attached by ClinVar (database versions not stated): 1000 Genomes Project 30x 0.00094; 1000 Genomes Project 0.00100.
gnomAD v4.1: 488 of 1,613,940 alleles (0.03%); highest among the groups gnomAD compares: African/African-American, 0.5%; 2 homozygotes.

Submissions (6):

Labcorp Genetics (formerly Invitae), Labcorp
Classification: Benign. Last evaluated: 2026-02-03. Review status: criteria provided, single submitter. Criteria: Invitae Variant Classification Sherloc (09022015). Collection method: clinical testing. Allele origin: germline.

CeGaT Center for Human Genetics Tuebingen
Classification: Likely benign. Last evaluated: 2026-02-01. Review status: criteria provided, single submitter. Criteria: CeGaT Center For Human Genetics Tuebingen Variant Classification Criteria Version 2. Collection method: clinical testing. Allele origin: germline. Affected: yes. Observed: 3 variant alleles.
Comment: CTNNB1: BP4, BP7

Blueprint Genetics
Classification: Likely benign. Last evaluated: 2024-11-11. Review status: criteria provided, single submitter. Criteria: ACMG Guidelines, 2015. Collection method: clinical testing. Allele origin: germline.

GeneDx
Classification: Likely benign. Last evaluated: 2020-08-31. Review status: criteria provided, single submitter. Criteria: GeneDx Variant Classification Process June 2021. Collection method: clinical testing. Allele origin: germline. Affected: yes.

Genetic Services Laboratory, University of Chicago
Classification: Likely benign. Last evaluated: 2016-06-22. Review status: criteria provided, single submitter. Criteria: ACMG Guidelines, 2015. Collection method: clinical testing. Allele origin: germline. Affected: no.

Breakthrough Genomics
Classification: Likely benign. Review status: criteria provided, single submitter. Criteria: ACMG Guidelines, 2015. Collection method: not provided. Allele origin: germline. Inheritance: Autosomal recessive inheritance. Affected: yes.